The following is an entry in ClinVar:

ClinVar aggregate classification (germline): Uncertain significance (1 of 4 stars; one submission).

Conditions:
Mucolipidosis type IV (ML4). Also called: ML IV. Identifiers: Orphanet 578, MedGen C0238286, MONDO:0009653, OMIM 252650.

gnomAD v4.1: 1 of 1,612,738 alleles (0.000062%); highest among the groups gnomAD compares: Non-Finnish European, 0.000085%; no homozygotes.

Submission:

Labcorp Genetics (formerly Invitae), Labcorp
Classification: Uncertain significance for Mucolipidosis type IV. Last evaluated: 2024-07-12. Review status: criteria provided, single submitter. Criteria: Invitae Variant Classification Sherloc (09022015). Collection method: clinical testing. Allele origin: germline.
Comment: This sequence change replaces histidine, which is basic and polar, with aspartic acid, which is acidic and polar, at codon 409 of the MCOLN1 protein (p.His409Asp). This variant is not present in population databases (gnomAD no frequency). This variant has not been reported in the literature in individuals affected with MCOLN1-related conditions. ClinVar contains an entry for this variant (Variation ID: 1472250). Advanced modeling of protein sequence and biophysical properties (such as structural, functional, and spatial information, amino acid conservation, physicochemical variation, residue mobility, and thermodynamic stability) performed at Invitae indicates that this missense variant is not expected to disrupt MCOLN1 protein function with a negative predictive value of 95%. In summary, the available evidence is currently insufficient to determine the role of this variant in disease. Therefore, it has been classified as a Variant of Uncertain Significance.

NM_020533.3(MCOLN1):c.1225C>G (p.His409Asp)

Gene: MCOLN1 (mucolipin TRP cation channel 1; plus strand). Cytogenetic location: 19p13.2.
Variant type: single nucleotide variant.
Coding change: c.1225C>G on transcript NM_020533.3 (MANE Select); coding-DNA position 1225, C replaced by G.
Protein change: p.His409Asp; replaces histidine 409 with aspartic acid.
Molecular consequence: missense variant.
Genome position (GRCh38, 1-based): chr19:7,529,191, C>G. VCF-style: chr19-7529191-C-G. GRCh37 (hg19) VCF-style: chr19-7594077-C-G.
Other names: short protein forms H409D.
Identifiers: ClinVar variation 1472250 (VCV001472250.6), dbSNP rs1186459229, ClinGen allele CA403087067.